The following is an entry in ClinVar:

ClinVar aggregate classification (germline): Pathogenic (1 of 4 stars; one submission).

Conditions:
Developmental and epileptic encephalopathy, 11 (DEE11). Also called: Early infantile epileptic encephalopathy 11. Identifiers: Orphanet 1934, MedGen C3150987, MONDO:0013388, OMIM 613721.
Seizures, benign familial infantile, 3 (BFIS3). Also called: CONVULSIONS, BENIGN FAMILIAL INFANTILE, 3; Familial neonatal seizures. Identifiers: Orphanet 140927, Orphanet 306, MedGen C1843140, MONDO:0011904, OMIM 607745.

Submission:

Labcorp Genetics (formerly Invitae), Labcorp
Classification: Pathogenic for Seizures, benign familial infantile, 3; Developmental and epileptic encephalopathy, 11. Last evaluated: 2025-01-08. Review status: criteria provided, single submitter. Criteria: Invitae Variant Classification Sherloc (09022015). Collection method: clinical testing. Allele origin: germline.
Comment: This sequence change affects the initiator methionine of the SCN2A mRNA. The next in-frame methionine is located at codon 73. This variant is not present in population databases (gnomAD no frequency). This variant has not been reported in the literature in individuals affected with SCN2A-related conditions. Algorithms developed to predict the effect of sequence changes on RNA splicing suggest that this variant may disrupt the consensus splice site. This variant disrupts a region of the SCN2A protein in which other variant(s) (p.Arg28His) have been determined to be pathogenic (PMID: 36801247; internal data). This suggests that this is a clinically significant region of the protein, and that variants that disrupt it are likely to be disease-causing. For these reasons, this variant has been classified as Pathogenic.

Literature cited by the submitters: PubMed 36801247.

NM_001040142.2(SCN2A):c.3G>A (p.Met1Ile)

Gene: SCN2A (sodium voltage-gated channel alpha subunit 2; plus strand). Cytogenetic location: 2q24.3.
Variant type: single nucleotide variant.
Coding change: c.3G>A on transcript NM_001040142.2 (MANE Select); coding-DNA position 3, G replaced by A.
Protein change: p.Met1Ile; changes the start codon (methionine 1).
Molecular consequence: missense variant, initiator codon variant.
Genome position (GRCh38, 1-based): chr2:165,295,826, G>A. VCF-style: chr2-165295826-G-A. GRCh37 (hg19) VCF-style: chr2-166152336-G-A.
Other names: c.3G>A, p.Met1Ile (NM_001040143.2, NM_001371246.1, NM_001371247.1 and 1 more transcripts); short protein forms M1I.
Identifiers: ClinVar variation 3760265 (VCV003760265.2).